The following is an entry in ClinVar:

NM_021076.4(NEFH):c.1171G>T (p.Val391Phe)

Gene: NEFH (neurofilament heavy chain; plus strand). Cytogenetic location: 22q12.2.
Variant type: single nucleotide variant.
Coding change: c.1171G>T on transcript NM_021076.4 (MANE Select); coding-DNA position 1171, G replaced by T.
Protein change: p.Val391Phe; replaces valine 391 with phenylalanine.
Molecular consequence: missense variant.
Genome position (GRCh38, 1-based): chr22:29,485,810, G>T. VCF-style: chr22-29485810-G-T. GRCh37 (hg19) VCF-style: chr22-29881799-G-T.
Other names: short protein forms V391F.
Identifiers: ClinVar variation 2816774 (VCV002816774.3), dbSNP rs2517974028, ClinGen allele CA411127186.

ClinVar aggregate classification (germline): Uncertain significance (1 of 4 stars; one submission).

Submission:

Labcorp Genetics (formerly Invitae), Labcorp
Classification: Uncertain significance. Last evaluated: 2022-11-26. Review status: criteria provided, single submitter. Criteria: Invitae Variant Classification Sherloc (09022015). Collection method: clinical testing. Allele origin: germline.
Comment: In summary, the available evidence is currently insufficient to determine the role of this variant in disease. Therefore, it has been classified as a Variant of Uncertain Significance. Advanced modeling of protein sequence and biophysical properties (such as structural, functional, and spatial information, amino acid conservation, physicochemical variation, residue mobility, and thermodynamic stability) performed at Invitae indicates that this missense variant is expected to disrupt NEFH protein function. This variant has not been reported in the literature in individuals affected with NEFH-related conditions. This variant is not present in population databases (gnomAD no frequency). This sequence change replaces valine, which is neutral and non-polar, with phenylalanine, which is neutral and non-polar, at codon 391 of the NEFH protein (p.Val391Phe).